The following is an entry in ClinVar:

ClinVar aggregate classification (germline): Uncertain significance. Review status: criteria provided, multiple submitters, no conflicts (2 of 4 stars). 2 submissions from 2 submitters: Uncertain significance (2). Last evaluated 2025-01-05.

Conditions:
Inborn genetic diseases. Identifiers: MedGen C0950123, MeSH D030342.
DDX41-related hematologic malignancy predisposition syndrome. Also called: Myeloproliferative/lymphoproliferative neoplasms, familial (multiple types), susceptibility to; DDX41-Associated Familial Myelodysplastic Syndrome and Acute Myeloid Leukemia. Identifiers: Orphanet 488647, MedGen C4225174, MONDO:0014809, OMIM 616871.

Allele frequency attached by ClinVar (database versions not stated): gnomAD exomes below 0.00001.

Submissions (2):

Ambry Genetics
Classification: Uncertain significance for Inborn genetic diseases. Last evaluated: 2025-01-05. Review status: criteria provided, single submitter. Criteria: Ambry Variant Classification Scheme 2023. Collection method: clinical testing. Allele origin: germline.
Comment: The p.G211D variant (also known as c.632G>A), located in coding exon 7 of the DDX41 gene, results from a G to A substitution at nucleotide position 632. The glycine at codon 211 is replaced by aspartic acid, an amino acid with similar properties. This amino acid position is conserved. In addition, the in silico prediction for this alteration is inconclusive. Based on the available evidence, the clinical significance of this variant remains unclear.

Baylor Genetics
Classification: Uncertain significance for DDX41-related hematologic malignancy predisposition syndrome. Last evaluated: 2023-05-18. Review status: criteria provided, single submitter. Criteria: ACMG Guidelines, 2015. Collection method: clinical testing. Allele origin: unknown.

NM_016222.4(DDX41):c.632G>A (p.Gly211Asp)

Gene: DDX41 (DEAD-box helicase 41; minus strand). Cytogenetic location: 5q35.3.
Variant type: single nucleotide variant.
Coding change: c.632G>A on transcript NM_016222.4 (MANE Select); coding-DNA position 632, G replaced by A.
Protein change: p.Gly211Asp; replaces glycine 211 with aspartic acid.
Molecular consequence: missense variant.
Genome position (GRCh38, 1-based): chr5:177,515,198, C>T on the plus strand (G>A on the coding strand, the complement: DDX41 is on the minus strand). VCF-style: chr5-177515198-C-T. GRCh37 (hg19) VCF-style: chr5-176942199-C-T.
Other names: c.254G>A, p.Gly85Asp (NM_001321732.2, NM_001321830.2); c.632G>A (NM_016222.2); short protein forms G211D, G85D.
Identifiers: ClinVar variation 2674788 (VCV002674788.2), dbSNP rs1272360706, ClinGen allele CA362375584.